The following is an entry in ClinVar:

ClinVar aggregate classification (germline): Conflicting classifications of pathogenicity. Review status: criteria provided, conflicting classifications (1 of 4 stars). 8 submissions from 8 submitters: Uncertain significance (1); Likely benign (5). 2 of the submissions do not count toward it. Last evaluated 2026-01-26.

Conditions:
LRPPRC-related disorder. Also called: LRPPRC-related condition.
Congenital lactic acidosis, Saguenay-Lac-Saint-Jean type (MC4DN5). Also called: MITOCHONDRIAL COMPLEX IV DEFICIENCY, NUCLEAR TYPE 5; CYTOCHROME c OXIDASE DEFICIENCY, FRENCH CANADIAN TYPE; COX DEFICIENCY, FRENCH CANADIAN TYPE. Identifiers: Orphanet 70472, MedGen C1857355, MONDO:0009069, OMIM 220111.

Allele frequency attached by ClinVar (database versions not stated): ESP Exome Variant Server 0.00008; ExAC 0.00019; gnomAD exomes 0.00019; 1000 Genomes Project 0.00020; TOPMed 0.00022; 1000 Genomes Project 30x 0.00031.
gnomAD v4.1: 274 of 1,587,452 alleles (0.017%); highest among the groups gnomAD compares: Middle Eastern, 0.12%; no homozygotes.

Submissions (8):

Labcorp Genetics (formerly Invitae), Labcorp
Classification: Likely benign. Last evaluated: 2026-01-26. Review status: criteria provided, single submitter. Criteria: Invitae Variant Classification Sherloc (09022015). Collection method: clinical testing. Allele origin: germline.

Mayo Clinic Laboratories, Mayo Clinic
Classification: Likely benign. Last evaluated: 2025-03-11. Review status: criteria provided, single submitter. Criteria: ACMG Guidelines, 2015. Collection method: clinical testing. Allele origin: germline. Observed: 1 variant allele.
Comment: BP4, BP7

CeGaT Center for Human Genetics Tuebingen
Classification: Likely benign. Last evaluated: 2025-01-01. Review status: criteria provided, single submitter. Criteria: CeGaT Center For Human Genetics Tuebingen Variant Classification Criteria Version 2. Collection method: clinical testing. Allele origin: germline. Affected: yes. Observed: 3 variant alleles.
Comment: LRPPRC: BP4, BP7

Blueprint Genetics
Classification: Likely benign. Last evaluated: 2024-10-15. Review status: criteria provided, single submitter. Criteria: ACMG Guidelines, 2015. Collection method: clinical testing. Allele origin: germline.

Women's Health and Genetics/Laboratory Corporation of America, LabCorp
Classification: Likely benign. Last evaluated: 2024-07-23. Review status: criteria provided, single submitter. Criteria: LabCorp Variant Classification Summary - May 2015. Collection method: clinical testing. Allele origin: germline.

Illumina Laboratory Services, Illumina
Classification: Uncertain significance for Congenital lactic acidosis, Saguenay-Lac-Saint-Jean type. Last evaluated: 2017-04-27. Review status: criteria provided, single submitter. Criteria: ICSL Variant Classification Criteria 13 December 2019. Collection method: clinical testing. Allele origin: germline.

Natera, Inc.
Classification: Likely benign for French-Canadian type Leigh syndrome. Last evaluated: 2020-06-05. Review status: no assertion criteria provided. Collection method: clinical testing. Allele origin: germline. Not counted in ClinVar's aggregate classification.

PreventionGenetics, part of Exact Sciences
Classification: Likely benign for LRPPRC-related condition. Last evaluated: 2019-12-09. Review status: no assertion criteria provided. Collection method: clinical testing. Allele origin: germline. Not counted in ClinVar's aggregate classification.
Comment: This variant is classified as likely benign based on ACMG/AMP sequence variant interpretation guidelines (Richards et al. 2015 PMID: 25741868, with internal and published modifications).

NM_133259.4(LRPPRC):c.1929C>T (p.His643=)

Gene: LRPPRC (leucine rich pentatricopeptide repeat containing; minus strand). Cytogenetic location: 2p21.
Variant type: single nucleotide variant.
Coding change: c.1929C>T on transcript NM_133259.4 (MANE Select); coding-DNA position 1929, C replaced by T.
Protein change: p.His643=; no amino-acid change (histidine 643 retained).
Molecular consequence: synonymous variant.
Genome position (GRCh38, 1-based): chr2:43,947,767, G>A on the plus strand (C>T on the coding strand, the complement: LRPPRC is on the minus strand). VCF-style: chr2-43947767-G-A. GRCh37 (hg19) VCF-style: chr2-44174906-G-A.
Other names: p.His643=.
Identifiers: ClinVar variation 728065 (VCV000728065.60), dbSNP rs200017171, ClinGen allele CA1638662.
Genomic context (GRCh38, chr2:43,947,767, plus strand): 5'-GAATCTAGTCAAAATCCTACTTACTTTTTGAAAGTCTAAATTCTTACTCTCAACCAACAA[G>A]TGAGCATCCTAAAATTGAAATTTAAATTAGCCCAGAATTAGAAAACACACGTAAAAATAC-3'
Protein context (NP_573566.2, residues 633-653): YHVPELIKDA[His643=]LLVESKNLDF